The following is an entry in ClinVar:

NM_003919.3(SGCE):c.1297+811T>A

Genes: CASD1 (CAS1 domain containing 1; plus strand), SGCE (sarcoglycan epsilon; minus strand). Cytogenetic location: 7q21.3.
Variant type: single nucleotide variant.
Coding change: c.1297+811T>A on transcript NM_003919.3 (MANE Select); 811 bases into the intron after coding-DNA position 1297, T replaced by A.
Molecular consequence: intron variant.
Genome position (GRCh38, 1-based): chr7:94,587,878, A>T on the plus strand (T>A on the coding strand, the complement: SGCE is on the minus strand). VCF-style: chr7-94587878-A-T. GRCh37 (hg19) VCF-style: chr7-94217190-A-T.
Other names: c.1147+811T>A (NM_001362809.2); c.1174+811T>A (NM_001301139.2); c.1270+811T>A (NM_001346717.2); c.1271-66T>A (NM_001099400.2); c.1372+811T>A (NM_001099401.2); c.1378+811T>A (NM_001346715.2); c.1405+811T>A (NM_001346713.2); c.1183+811T>A (NM_001362807.2); and 3 more.
Identifiers: ClinVar variation 1295522 (VCV001295522.5), dbSNP rs7783198, ClinGen allele CA162911153.
Genomic context (GRCh38, chr7:94,587,878, plus strand): 5'-ATTCACGAAAGCAGTAATAGAGAAGATAATTTCTGAATGAAAACATCCAACACATTTCTG[A>T]ATGTGCCTGAAGTTTTTAAGAGACTTACTTAATAGTTTCCCTACCACAATGCCGCTATTC-3'

ClinVar aggregate classification (germline): Benign. Review status: criteria provided, multiple submitters, no conflicts (2 of 4 stars). 3 submissions from 3 submitters: Benign (3). Last evaluated 2024-07-31.

Allele frequency attached by ClinVar (database versions not stated): gnomAD exomes 0.14833; ESP Exome Variant Server 0.25033; gnomAD 0.26932 and 0.27408; TOPMed 0.27968; 1000 Genomes Project 0.31090; 1000 Genomes Project 30x 0.31730.
gnomAD v4.1: 243,415 of 1,511,392 alleles (16%); highest among the groups gnomAD compares: African/African-American, 55%; 26,674 homozygotes.

Submissions (3):

Unidad de Genómica Garrahan, Hospital de Pediatría Garrahan
Classification: Benign. Last evaluated: 2024-07-31. Review status: criteria provided, single submitter. Criteria: ACMG Guidelines, 2015. Collection method: clinical testing. Allele origin: germline. Affected: no. Observed: 29 variant alleles.
Comment: This variant is classified as Benign based on local population frequency. This variant was detected in 31% of patients studied in a panel designed for Epileptic and Developmental Encephalopathy, Progressive Myoclonus Epilepsy and Abnormal Movements and Neurodegeneration with brain iron accumulation. Number of patients: 29. Only high quality variants are reported.

GeneDx
Classification: Benign. Last evaluated: 2018-07-09. Review status: criteria provided, single submitter. Criteria: GeneDx Variant Classification Process June 2021. Collection method: clinical testing. Allele origin: germline. Affected: yes.

Breakthrough Genomics
Classification: Benign. Review status: criteria provided, single submitter. Criteria: ACMG Guidelines, 2015. Collection method: not provided. Allele origin: germline. Inheritance: Autosomal dominant inheritance. Affected: yes.